The following is an entry in ClinVar:

ClinVar aggregate classification (germline): Uncertain significance (1 of 4 stars; one submission).

Allele frequency attached by ClinVar (database versions not stated): gnomAD exomes below 0.00001.
gnomAD v4.1: 1 of 1,614,138 alleles (0.000062%); highest among the groups gnomAD compares: Admixed American, 0.0017%; no homozygotes.

Submission:

Labcorp Genetics (formerly Invitae), Labcorp
Classification: Uncertain significance. Last evaluated: 2023-07-19. Review status: criteria provided, single submitter. Criteria: Invitae Variant Classification Sherloc (09022015). Collection method: clinical testing. Allele origin: germline.
Comment: In summary, the available evidence is currently insufficient to determine the role of this variant in disease. Therefore, it has been classified as a Variant of Uncertain Significance. An algorithm developed to predict the effect of missense changes on protein structure and function (PolyPhen-2) suggests that this variant is likely to be tolerated. This variant has not been reported in the literature in individuals affected with MSH3-related conditions. This variant is not present in population databases (gnomAD no frequency). This sequence change replaces leucine, which is neutral and non-polar, with arginine, which is basic and polar, at codon 200 of the MSH3 protein (p.Leu200Arg).

NM_002439.5(MSH3):c.599T>G (p.Leu200Arg)

Gene: MSH3 (mutS homolog 3; plus strand). Cytogenetic location: 5q14.1.
Variant type: single nucleotide variant.
Coding change: c.599T>G on transcript NM_002439.5 (MANE Select); coding-DNA position 599, T replaced by G.
Protein change: p.Leu200Arg; replaces leucine 200 with arginine.
Molecular consequence: missense variant.
Genome position (GRCh38, 1-based): chr5:80,670,116, T>G. VCF-style: chr5-80670116-T-G. GRCh37 (hg19) VCF-style: chr5-79965935-T-G.
Other names: short protein forms L200R.
Identifiers: ClinVar variation 2744673 (VCV002744673.3), dbSNP rs1580550124, ClinGen allele CA360265916.